The following is an entry in ClinVar:

ClinVar aggregate classification (germline): Uncertain significance (1 of 4 stars; one submission).

Allele frequency attached by ClinVar (database versions not stated): gnomAD 0.00001; gnomAD exomes 0.00001; TOPMed 0.00001; ExAC 0.00003.
gnomAD v4.1: 12 of 1,613,856 alleles (0.00074%); highest among the groups gnomAD compares: South Asian, 0.0066%; 1 homozygote.

Submission:

Labcorp Genetics (formerly Invitae), Labcorp
Classification: Uncertain significance. Last evaluated: 2022-01-12. Review status: criteria provided, single submitter. Criteria: Invitae Variant Classification Sherloc (09022015). Collection method: clinical testing. Allele origin: germline.
Comment: In summary, the available evidence is currently insufficient to determine the role of this variant in disease. Therefore, it has been classified as a Variant of Uncertain Significance. Algorithms developed to predict the effect of missense changes on protein structure and function output the following: SIFT: "Tolerated"; PolyPhen-2: "Benign"; Align-GVGD: "Class C0". The valine amino acid residue is found in multiple mammalian species, which suggests that this missense change does not adversely affect protein function. This variant has not been reported in the literature in individuals affected with IL21-related conditions. This variant is present in population databases (rs746613798, gnomAD 0.004%). This sequence change replaces isoleucine, which is neutral and non-polar, with valine, which is neutral and non-polar, at codon 100 of the IL21 protein (p.Ile100Val).

NM_021803.4(IL21):c.298A>G (p.Ile100Val)

Gene: IL21 (interleukin 21; minus strand). Cytogenetic location: 4q27.
Variant type: single nucleotide variant.
Coding change: c.298A>G on transcript NM_021803.4 (MANE Select); coding-DNA position 298, A replaced by G.
Protein change: p.Ile100Val; replaces isoleucine 100 with valine.
Molecular consequence: missense variant.
Genome position (GRCh38, 1-based): chr4:122,615,744, T>C on the plus strand (A>G on the coding strand, the complement: IL21 is on the minus strand). VCF-style: chr4-122615744-T-C. GRCh37 (hg19) VCF-style: chr4-123536899-T-C.
Other names: c.298A>G, p.Ile100Val (NM_001207006.3); short protein forms I100V.
Identifiers: ClinVar variation 2080752 (VCV002080752.4), dbSNP rs746613798, ClinGen allele CA3069134.